The following is an entry in ClinVar:

ClinVar aggregate classification (germline): Uncertain significance (1 of 4 stars; one submission).

Conditions:
Norman-Roberts syndrome (LIS2). Also called: Lissencephaly 2 (Norman-Roberts type). Identifiers: Orphanet 89844, MedGen C0796089, MONDO:0009760, OMIM 257320.
Familial temporal lobe epilepsy 7. Identifiers: Orphanet 101046, MedGen C4225327, MONDO:0014639, OMIM 616436.

Submission:

Labcorp Genetics (formerly Invitae), Labcorp
Classification: Uncertain significance for Familial temporal lobe epilepsy 7; Norman-Roberts syndrome. Last evaluated: 2024-07-15. Review status: criteria provided, single submitter. Criteria: Invitae Variant Classification Sherloc (09022015). Collection method: clinical testing. Allele origin: germline.
Comment: This sequence change replaces glutamine, which is neutral and polar, with glutamic acid, which is acidic and polar, at codon 9 of the RELN protein (p.Gln9Glu). This variant is not present in population databases (gnomAD no frequency). This variant has not been reported in the literature in individuals affected with RELN-related conditions. ClinVar contains an entry for this variant (Variation ID: 965287). An algorithm developed to predict the effect of missense changes on protein structure and function (PolyPhen-2) suggests that this variant is likely to be tolerated. In summary, the available evidence is currently insufficient to determine the role of this variant in disease. Therefore, it has been classified as a Variant of Uncertain Significance.

NM_005045.4(RELN):c.25C>G (p.Gln9Glu)

Gene: RELN (reelin; minus strand). Cytogenetic location: 7q22.1.
Variant type: single nucleotide variant.
Coding change: c.25C>G on transcript NM_005045.4 (MANE Select); coding-DNA position 25, C replaced by G.
Protein change: p.Gln9Glu; replaces glutamine 9 with glutamic acid.
Molecular consequence: missense variant.
Genome position (GRCh38, 1-based): chr7:103,989,332, G>C on the plus strand (C>G on the coding strand, the complement: RELN is on the minus strand). VCF-style: chr7-103989332-G-C. GRCh37 (hg19) VCF-style: chr7-103629779-G-C.
Other names: c.25C>G, p.Gln9Glu (NM_173054.3); short protein forms Q9E.
Identifiers: ClinVar variation 965287 (VCV000965287.9), dbSNP rs1797174077, ClinGen allele CA368931615.